The following is an entry in ClinVar:

ClinVar aggregate classification (germline): Uncertain significance. Review status: criteria provided, multiple submitters, no conflicts (2 of 4 stars). 4 submissions from 4 submitters: Uncertain significance (4). Last evaluated 2026-05-11.

Conditions:
Neuropathy, hereditary sensory and autonomic, type 2A (HSAN2A). Also called: HSAN IIA; ACROOSTEOLYSIS, GIACCAI TYPE; ACROOSTEOLYSIS, NEUROGENIC; WNK1-Related HSAN2 (HSAN2A); MORVAN DISEASE; NEUROPATHY, CONGENITAL SENSORY. Identifiers: Orphanet 970, MedGen C2752089, MONDO:0024309, OMIM 201300.
Pseudohypoaldosteronism type 2C (PHA2C). Also called: Pseudohypoaldosteronism Type IIC. Identifiers: Orphanet 757, Orphanet 88940, MedGen C1840391, MONDO:0013778, OMIM 614492.
Inborn genetic diseases. Identifiers: MedGen C0950123, MeSH D030342.
WNK1-related disorder. Also called: WNK1-related condition.

Allele frequency attached by ClinVar (database versions not stated): ExAC 0.00004; ESP Exome Variant Server 0.00008; TOPMed 0.00009.
gnomAD v4.1: 209 of 1,614,058 alleles (0.013%); highest among the groups gnomAD compares: Non-Finnish European, 0.017%; no homozygotes.

Submissions (4):

PreventionGenetics, part of Exact Sciences
Classification: Uncertain significance for WNK1-related condition. Last evaluated: 2026-05-11. Review status: criteria provided, single submitter. Criteria: ACMG Guidelines, 2015. Collection method: clinical testing. Allele origin: germline.
Comment: The WNK1 c.6895C>G variant is predicted to result in the amino acid substitution p.Leu2299Val. To our knowledge, this variant has not been reported in the literature. This variant is reported in 0.0062% of alleles in individuals of European (non-Finnish) descent in gnomAD. At this time, the clinical significance of this variant is uncertain due to the absence of conclusive functional and genetic evidence.

Labcorp Genetics (formerly Invitae), Labcorp
Classification: Uncertain significance for Neuropathy, hereditary sensory and autonomic, type 2A; Pseudohypoaldosteronism type 2C. Last evaluated: 2025-06-30. Review status: criteria provided, single submitter. Criteria: Invitae Variant Classification Sherloc (09022015). Collection method: clinical testing. Allele origin: germline.
Comment: This sequence change replaces leucine, which is neutral and non-polar, with valine, which is neutral and non-polar, at codon 2551 of the WNK1 protein (p.Leu2551Val). This variant is present in population databases (rs143616411, gnomAD 0.008%). This variant has not been reported in the literature in individuals affected with WNK1-related conditions. ClinVar contains an entry for this variant (Variation ID: 648308). Invitae Evidence Modeling of protein sequence and biophysical properties (such as structural, functional, and spatial information, amino acid conservation, physicochemical variation, residue mobility, and thermodynamic stability) indicates that this missense variant is not expected to disrupt WNK1 protein function with a negative predictive value of 95%. In summary, the available evidence is currently insufficient to determine the role of this variant in disease. Therefore, it has been classified as a Variant of Uncertain Significance.

GeneDx
Classification: Uncertain significance. Last evaluated: 2024-01-30. Review status: criteria provided, single submitter. Criteria: GeneDx Variant Classification Process June 2021. Collection method: clinical testing. Allele origin: germline. Affected: yes.
Comment: In silico analysis supports that this missense variant does not alter protein structure/function; Has not been previously published as pathogenic or benign to our knowledge

Ambry Genetics
Classification: Uncertain significance for Inborn genetic diseases. Last evaluated: 2022-08-08. Review status: criteria provided, single submitter. Criteria: Ambry Variant Classification Scheme 2023. Collection method: clinical testing. Allele origin: germline.
Comment: The p.L2551V variant (also known as c.7651C>G), located in coding exon 28 of the WNK1 gene, results from a C to G substitution at nucleotide position 7651. The leucine at codon 2551 is replaced by valine, an amino acid with highly similar properties. This amino acid position is highly conserved in available vertebrate species. In addition, this alteration is predicted to be tolerated by in silico analysis. Since supporting evidence is limited at this time, the clinical significance of this alteration remains unclear.

NM_018979.4(WNK1):c.6895C>G (p.Leu2299Val)

Gene: WNK1 (WNK lysine deficient protein kinase 1; plus strand). Cytogenetic location: 12p13.33.
Variant type: single nucleotide variant.
Coding change: c.6895C>G on transcript NM_018979.4 (MANE Select); coding-DNA position 6895, C replaced by G.
Protein change: p.Leu2299Val; replaces leucine 2299 with valine.
Molecular consequence: missense variant.
Genome position (GRCh38, 1-based): chr12:908,538, C>G. VCF-style: chr12-908538-C-G. GRCh37 (hg19) VCF-style: chr12-1017704-C-G.
Other names: c.7675C>G, p.Leu2559Val (NM_001184985.2); c.6151C>G, p.Leu2051Val (NM_014823.3); c.7651C>G, p.Leu2551Val (NM_213655.5); short protein forms L2051V, L2299V, L2559V, L2551V.
Identifiers: ClinVar variation 648308 (VCV000648308.11), dbSNP rs143616411, ClinGen allele CA6383529.
Genomic context (GRCh38, chr12:908,538, plus strand): 5'-CCTGGAATGGCAAGGAAGTTCTCTGCACCTGGGCAACTGTGCATCTCCATGACCTCGAAC[C>G]TGGGTGGCTCTGCCCCCATCTCTGCAGCATCAGCTACCTCTCTAGGTCACTTCACCAAGT-3'
Protein context (NP_061852.3, residues 2289-2309): GQLCISMTSN[Leu2299Val]GGSAPISAAS